The following is an entry in ClinVar:

NM_144670.6(A2ML1):c.61C>A (p.Pro21Thr)

Genes: A2ML1 (alpha-2-macroglobulin like 1; plus strand), A2ML1-AS1 (A2ML1 antisense RNA 1; minus strand). Cytogenetic location: 12p13.31.
Variant type: single nucleotide variant.
Coding change: c.61C>A on transcript NM_144670.6 (MANE Select); coding-DNA position 61, C replaced by A.
Protein change: p.Pro21Thr; replaces proline 21 with threonine.
Molecular consequence: missense variant.
Genome position (GRCh38, 1-based): chr12:8,822,712, C>A. VCF-style: chr12-8822712-C-A. GRCh37 (hg19) VCF-style: chr12-8975308-C-A.
Other names: c.61C>A (NM_144670.3); short protein forms P21T.
Identifiers: ClinVar variation 2057951 (VCV002057951.5), dbSNP rs749520022, ClinGen allele CA383816628.

ClinVar aggregate classification (germline): Uncertain significance. Review status: criteria provided, multiple submitters, no conflicts (2 of 4 stars). 2 submissions from 2 submitters: Uncertain significance (2). Last evaluated 2025-03-17.

gnomAD v4.1: 3 of 1,614,126 alleles (0.00019%); highest among the groups gnomAD compares: Non-Finnish European, 0.00025%; no homozygotes.

Submissions (2):

Labcorp Genetics (formerly Invitae), Labcorp
Classification: Uncertain significance. Last evaluated: 2025-03-17. Review status: criteria provided, single submitter. Criteria: Invitae Variant Classification Sherloc (09022015). Collection method: clinical testing. Allele origin: germline.
Comment: This sequence change replaces proline, which is neutral and non-polar, with threonine, which is neutral and polar, at codon 21 of the A2ML1 protein (p.Pro21Thr). This variant is not present in population databases (gnomAD no frequency). This variant has not been reported in the literature in individuals affected with A2ML1-related conditions. ClinVar contains an entry for this variant (Variation ID: 2057951). An algorithm developed to predict the effect of missense changes on protein structure and function (PolyPhen-2) suggests that this variant is likely to be disruptive. In summary, the available evidence is currently insufficient to determine the role of this variant in disease. Therefore, it has been classified as a Variant of Uncertain Significance.

Ambry Genetics
Classification: Uncertain significance. Last evaluated: 2024-09-04. Review status: criteria provided, single submitter. Criteria: Ambry Variant Classification Scheme 2023. Collection method: clinical testing. Allele origin: germline.